The following is an entry in ClinVar:

NM_001042492.3(NF1):c.2850G>T (p.Gln950His)

Gene: NF1 (neurofibromin 1; plus strand). Cytogenetic location: 17q11.2.
Variant type: single nucleotide variant.
Coding change: c.2850G>T on transcript NM_001042492.3 (MANE Select); coding-DNA position 2850, G replaced by T.
Protein change: p.Gln950His; replaces glutamine 950 with histidine.
Molecular consequence: missense variant.
Genome position (GRCh38, 1-based): chr17:31,229,465, G>T. VCF-style: chr17-31229465-G-T. GRCh37 (hg19) VCF-style: chr17-29556483-G-T.
Other names: c.2850G>T, p.Gln950His (NM_000267.4); short protein forms Q950H.
Identifiers: ClinVar variation 2763795 (VCV002763795.3), dbSNP rs863224446, ClinGen allele CA398985897.

ClinVar aggregate classification (germline): Uncertain significance (1 of 4 stars; one submission).

Conditions:
Neurofibromatosis, type 1 (NF1). Also called: VON RECKLINGHAUSEN DISEASE; Neurofibromatosis, type I; NEUROFIBROMATOSIS, TYPE I, SOMATIC; Peripheral type neurofibromatosis. Identifiers: Orphanet 636, MedGen C0027831, MONDO:0018975, OMIM 162200. Disease mechanism: loss of function.

Submission:

Labcorp Genetics (formerly Invitae), Labcorp
Classification: Uncertain significance for Neurofibromatosis, type 1. Last evaluated: 2023-09-27. Review status: criteria provided, single submitter. Criteria: Invitae Variant Classification Sherloc (09022015). Collection method: clinical testing. Allele origin: germline.
Comment: This sequence change replaces glutamine, which is neutral and polar, with histidine, which is basic and polar, at codon 950 of the NF1 protein (p.Gln950His). This variant also falls at the last nucleotide of exon 21, which is part of the consensus splice site for this exon. This variant is not present in population databases (gnomAD no frequency). This variant has not been reported in the literature in individuals affected with NF1-related conditions. An algorithm developed to predict the effect of missense changes on protein structure and function (PolyPhen-2) suggests that this variant is likely to be disruptive. Variants that disrupt the consensus splice site are a relatively common cause of aberrant splicing (PMID: 17576681, 9536098). Algorithms developed to predict the effect of sequence changes on RNA splicing suggest that this variant may disrupt the consensus splice site. This variant disrupts the c.2850G nucleotide in the NF1 gene. Other variant(s) that disrupt this nucleotide have been determined to be pathogenic (PMID: 21520333, 26740943, 31717729). This suggests that this nucleotide is clinically significant, and that variants that disrupt this position are likely to be disease-causing. In summary, the available evidence is currently insufficient to determine the role of this variant in disease. Therefore, it has been classified as a Variant of Uncertain Significance.

Literature cited by the submitters: PubMed 17576681; PubMed 9536098; PubMed 21520333; PubMed 26740943; PubMed 31717729.